The following is an entry in ClinVar:

ClinVar aggregate classification (germline): Uncertain significance (1 of 4 stars; one submission).

Conditions:
Inborn genetic diseases. Identifiers: MedGen C0950123, MeSH D030342.

Submission:

Ambry Genetics
Classification: Uncertain significance for Inborn genetic diseases. Last evaluated: 2025-07-07. Review status: criteria provided, single submitter. Criteria: Ambry Variant Classification Scheme 2023. Collection method: clinical testing. Allele origin: germline.
Comment: The p.I633N variant (also known as c.1898T>A), located in coding exon 11 of the FANCM gene, results from a T to A substitution at nucleotide position 1898. The isoleucine at codon 633 is replaced by asparagine, an amino acid with dissimilar properties. This amino acid position is conserved. In addition, this alteration is predicted to be tolerated by in silico analysis. Based on the available evidence, the clinical significance of this variant remains unclear.

NM_020937.4(FANCM):c.1898T>A (p.Ile633Asn)

Gene: FANCM (FA complementation group M; plus strand). Cytogenetic location: 14q21.2.
Variant type: single nucleotide variant.
Coding change: c.1898T>A on transcript NM_020937.4 (MANE Select); coding-DNA position 1898, T replaced by A.
Protein change: p.Ile633Asn; replaces isoleucine 633 with asparagine.
Molecular consequence: missense variant.
Genome position (GRCh38, 1-based): chr14:45,167,059, T>A. VCF-style: chr14-45167059-T-A. GRCh37 (hg19) VCF-style: chr14-45636262-T-A.
Other names: c.1820T>A, p.Ile607Asn (NM_001308133.2); c.1898T>A, p.Ile633Asn (NM_001308134.2); short protein forms I633N, I607N.
Identifiers: ClinVar variation 4254579 (VCV004254579.1).